The following is an entry in ClinVar:

NM_005535.3(IL12RB1):c.772C>G (p.Leu258Val)

Gene: IL12RB1 (interleukin 12 receptor subunit beta 1; minus strand). Cytogenetic location: 19p13.11.
Variant type: single nucleotide variant.
Coding change: c.772C>G on transcript NM_005535.3 (MANE Select); coding-DNA position 772, C replaced by G.
Protein change: p.Leu258Val; replaces leucine 258 with valine.
Molecular consequence: missense variant.
Genome position (GRCh38, 1-based): chr19:18,073,528, G>C on the plus strand (C>G on the coding strand, the complement: IL12RB1 is on the minus strand). VCF-style: chr19-18073528-G-C. GRCh37 (hg19) VCF-style: chr19-18184338-G-C.
Other names: c.772C>G, p.Leu258Val (NM_153701.3, NM_001290023.2); c.892C>G, p.Leu298Val (NM_001290024.2); short protein forms L258V, L298V.
Identifiers: ClinVar variation 541817 (VCV000541817.5), dbSNP rs138189707, ClinGen allele CA9305081.
Genomic context (GRCh38, chr19:18,073,528, plus strand): 5'-CCTGCTCCCCATCCCAGGCCACCCCACAGCCCTGTGACAGCCCCGTTACCTGCTCTTTCA[G>C]GGTCAGCCGCCTCCTCCCATCCTGGCCCAGCTGCTCCACCGAGAATCTCACCTGAGGCTG-3'
Protein context (NP_005526.1, residues 248-268): LGQDGRRRLT[Leu258Val]KEQPTQLELP

ClinVar aggregate classification (germline): Uncertain significance (1 of 4 stars; one submission).

Conditions:
Mendelian susceptibility to mycobacterial diseases due to complete IL12RB1 deficiency. Also called: IL12RB1 DEFICIENCY; Immunodeficiency 30. Identifiers: Orphanet 319552, MedGen C4013949, MONDO:0013955, OMIM 614891.

Allele frequency attached by ClinVar (database versions not stated): gnomAD exomes 0.00007; 1000 Genomes Project 0.00020; gnomAD 0.00021 and 0.00017; TOPMed 0.00031; ESP Exome Variant Server 0.00015; 1000 Genomes Project 30x 0.00031; ExAC 0.00003.
gnomAD v4.1: 76 of 1,607,690 alleles (0.0047%); highest among the groups gnomAD compares: African/African-American, 0.087%; no homozygotes.

Submission:

Labcorp Genetics (formerly Invitae), Labcorp
Classification: Uncertain significance for Mendelian susceptibility to mycobacterial diseases due to complete IL12RB1 deficiency. Last evaluated: 2022-08-16. Review status: criteria provided, single submitter. Criteria: Invitae Variant Classification Sherloc (09022015). Collection method: clinical testing. Allele origin: germline.
Comment: This sequence change replaces leucine, which is neutral and non-polar, with valine, which is neutral and non-polar, at codon 258 of the IL12RB1 protein (p.Leu258Val). This variant is present in population databases (rs138189707, gnomAD 0.08%). This variant has not been reported in the literature in individuals affected with IL12RB1-related conditions. ClinVar contains an entry for this variant (Variation ID: 541817). Algorithms developed to predict the effect of missense changes on protein structure and function output the following: SIFT: "Deleterious"; PolyPhen-2: "Benign"; Align-GVGD: "Class C0". The valine amino acid residue is found in multiple mammalian species, which suggests that this missense change does not adversely affect protein function. In summary, the available evidence is currently insufficient to determine the role of this variant in disease. Therefore, it has been classified as a Variant of Uncertain Significance.